The following is an entry in ClinVar:

NM_018076.5(ODAD2):c.1726G>A (p.Gly576Arg)

Gene: ODAD2 (outer dynein arm docking complex subunit 2; minus strand). Cytogenetic location: 10p12.1.
Variant type: single nucleotide variant.
Coding change: c.1726G>A on transcript NM_018076.5 (MANE Select); coding-DNA position 1726, G replaced by A.
Protein change: p.Gly576Arg; replaces glycine 576 with arginine.
Molecular consequence: missense variant.
Genome position (GRCh38, 1-based): chr10:27,944,239, C>T on the plus strand (G>A on the coding strand, the complement: ODAD2 is on the minus strand). VCF-style: chr10-27944239-C-T. GRCh37 (hg19) VCF-style: chr10-28233168-C-T.
Other names: c.1726G>A, p.Gly576Arg (NM_001290020.2); c.301G>A, p.Gly101Arg (NM_001290021.2); c.802G>A, p.Gly268Arg (NM_001312689.2); short protein forms G101R, G268R, G576R.
Identifiers: ClinVar variation 1800413 (VCV001800413.2), dbSNP rs776147159, ClinGen allele CA5453443.

ClinVar aggregate classification (germline): Uncertain significance (1 of 4 stars; one submission).

Conditions:
Primary ciliary dyskinesia. Also called: Ciliary dyskinesia. Identifiers: Orphanet 244, MedGen C0008780, MONDO:0016575, HP:0012265.

Allele frequency attached by ClinVar (database versions not stated): TOPMed 0.00002; ExAC 0.00003; gnomAD 0.00003.
gnomAD v4.1: 31 of 1,612,556 alleles (0.0019%); highest among the groups gnomAD compares: African/African-American, 0.0027%; no homozygotes.

Submission:

Ambry Genetics
Classification: Uncertain significance for Primary ciliary dyskinesia. Last evaluated: 2022-08-07. Review status: criteria provided, single submitter. Criteria: Ambry Variant Classification Scheme 2023. Collection method: clinical testing. Allele origin: germline.
Comment: The p.G576R variant (also known as c.1726G>A), located in coding exon 11 of the ARMC4 gene, results from a G to A substitution at nucleotide position 1726. The glycine at codon 576 is replaced by arginine, an amino acid with dissimilar properties. This amino acid position is conserved. In addition, this alteration is predicted to be deleterious by in silico analysis. Since supporting evidence is limited at this time, the clinical significance of this alteration remains unclear.